The following is an entry in ClinVar:

ClinVar aggregate classification (germline): Uncertain significance (1 of 4 stars; one submission).

Conditions:
Hereditary spastic paraplegia 39 (SPG39). Also called: SPASTIC PARAPLEGIA 39, AUTOSOMAL RECESSIVE; Spastic Paraplegia Type 39 (SPG39). Identifiers: Orphanet 139480, MedGen C2677586, MONDO:0012787, OMIM 612020.

Submission:

Labcorp Genetics (formerly Invitae), Labcorp
Classification: Uncertain significance for Hereditary spastic paraplegia 39. Last evaluated: 2023-09-09. Review status: criteria provided, single submitter. Criteria: Invitae Variant Classification Sherloc (09022015). Collection method: clinical testing. Allele origin: germline.
Comment: This sequence change replaces arginine, which is basic and polar, with glutamine, which is neutral and polar, at codon 33 of the PNPLA6 protein (p.Arg33Gln). This variant is not present in population databases (gnomAD no frequency). This variant has not been reported in the literature in individuals affected with PNPLA6-related conditions. Advanced modeling of protein sequence and biophysical properties (such as structural, functional, and spatial information, amino acid conservation, physicochemical variation, residue mobility, and thermodynamic stability) has been performed at Invitae for this missense variant, however the output from this modeling did not meet the statistical confidence thresholds required to predict the impact of this variant on PNPLA6 protein function. In summary, the available evidence is currently insufficient to determine the role of this variant in disease. Therefore, it has been classified as a Variant of Uncertain Significance.

NM_001166114.2(PNPLA6):c.215G>A (p.Arg72Gln)

Gene: PNPLA6 (patatin like domain 6, lysophospholipase; plus strand). Cytogenetic location: 19p13.2.
Variant type: single nucleotide variant.
Coding change: c.215G>A on transcript NM_001166114.2 (MANE Select); coding-DNA position 215, G replaced by A.
Protein change: p.Arg72Gln; replaces arginine 72 with glutamine.
Molecular consequence: missense variant.
Genome position (GRCh38, 1-based): chr19:7,536,003, G>A. VCF-style: chr19-7536003-G-A. GRCh37 (hg19) VCF-style: chr19-7600889-G-A.
Other names: c.242G>A, p.Arg81Gln (NM_001166111.2); c.98G>A, p.Arg33Gln (NM_001166112.2, NM_001166113.1, NM_006702.5); short protein forms R72Q, R81Q, R33Q.
Identifiers: ClinVar variation 2759232 (VCV002759232.3), dbSNP rs2512486726, ClinGen allele CA403096791.